The following is an entry in ClinVar:

NM_005357.4(LIPE):c.2662T>C (p.Ser888Pro)

Genes: LIPE (lipase E, hormone sensitive type; minus strand), LIPE-AS1 (LIPE antisense RNA 1; plus strand), LOC101930071 (uncharacterized LOC101930071; plus strand). Cytogenetic location: 19q13.2.
Variant type: single nucleotide variant.
Coding change: c.2662T>C on transcript NM_005357.4 (MANE Select); coding-DNA position 2662, T replaced by C.
Protein change: p.Ser888Pro; replaces serine 888 with proline.
Molecular consequence: missense variant.
Genome position (GRCh38, 1-based): chr19:42,402,912, A>G on the plus strand (T>C on the coding strand, the complement: LIPE is on the minus strand). VCF-style: chr19-42402912-A-G. GRCh37 (hg19) VCF-style: chr19-42907064-A-G.
Other names: short protein forms S888P.
Identifiers: ClinVar variation 708271 (VCV000708271.5), dbSNP rs70937099, ClinGen allele CA9476672.

ClinVar aggregate classification (germline): Benign. Review status: criteria provided, single submitter (1 of 4 stars). 2 submissions from 2 submitters: Benign (1). 1 of the submissions does not count toward it. Last evaluated 2018-12-26.

Conditions:
LIPE-related disorder. Also called: LIPE-related condition.

Allele frequency attached by ClinVar (database versions not stated): ESP Exome Variant Server 0.00015; gnomAD exomes 0.00080 and 0.00318; gnomAD 0.00087 and 0.00130; TOPMed 0.00157; ExAC 0.00295; 1000 Genomes Project 30x 0.00906; 1000 Genomes Project 0.01018.
gnomAD v4.1: 1,388 of 1,611,958 alleles (0.086%); highest among the groups gnomAD compares: East Asian, 2.8%; 16 homozygotes.

Submissions (2):

Labcorp Genetics (formerly Invitae), Labcorp
Classification: Benign. Last evaluated: 2018-12-26. Review status: criteria provided, single submitter. Criteria: Invitae Variant Classification Sherloc (09022015). Collection method: clinical testing. Allele origin: germline.

PreventionGenetics, part of Exact Sciences
Classification: Benign for LIPE-related condition. Last evaluated: 2024-02-19. Review status: no assertion criteria provided. Collection method: clinical testing. Allele origin: germline. Not counted in ClinVar's aggregate classification.
Comment: This variant is classified as benign based on ACMG/AMP sequence variant interpretation guidelines (Richards et al. 2015 PMID: 25741868, with internal and published modifications).